The following is an entry in ClinVar:

ClinVar aggregate classification (germline): Conflicting classifications of pathogenicity. Review status: criteria provided, conflicting classifications (1 of 4 stars). 2 submissions from 2 submitters: Uncertain significance (1); Likely benign (1). Last evaluated 2024-11-03.

Conditions:
Hereditary cancer-predisposing syndrome. Also called: Neoplastic Syndromes, Hereditary; Tumor predisposition; Hereditary Cancer Syndrome; Hereditary neoplastic syndrome. Identifiers: Orphanet 140162, MedGen C0027672, MeSH D009386, MONDO:0015356.
Hereditary breast ovarian cancer syndrome. Also called: Hereditary breast and ovarian cancer; Hereditary breast and ovarian cancer syndrome (HBOC); BRCA1- and BRCA2-Associated Hereditary Breast and Ovarian Cancer; Hereditary breast and ovarian cancer syndrome; Hereditary breast and/or ovarian cancer syndrome; Breast and ovarian cancer. Identifiers: Orphanet 145, MedGen C0677776, MeSH D061325, MONDO:0003582. Disease mechanism: loss of function.

Submissions (2):

Labcorp Genetics (formerly Invitae), Labcorp
Classification: Uncertain significance for Hereditary breast ovarian cancer syndrome. Last evaluated: 2024-11-03. Review status: criteria provided, single submitter. Criteria: Invitae Variant Classification Sherloc (09022015). Collection method: clinical testing. Allele origin: germline.
Comment: This sequence change replaces lysine, which is basic and polar, with arginine, which is basic and polar, at codon 1765 of the BRCA2 protein (p.Lys1765Arg). This variant is not present in population databases (gnomAD no frequency). This missense change has been observed in individual(s) with breast and/or ovarian cancer (PMID: 30702160, 31825140). ClinVar contains an entry for this variant (Variation ID: 640065). Invitae Evidence Modeling of protein sequence and biophysical properties (such as structural, functional, and spatial information, amino acid conservation, physicochemical variation, residue mobility, and thermodynamic stability) indicates that this missense variant is not expected to disrupt BRCA2 protein function with a negative predictive value of 95%. In summary, the available evidence is currently insufficient to determine the role of this variant in disease. Therefore, it has been classified as a Variant of Uncertain Significance.

University of Washington Department of Laboratory Medicine, University of Washington
Classification: Likely benign for Hereditary cancer-predisposing syndrome. Last evaluated: 2023-03-23. Review status: criteria provided, single submitter. Criteria: Dines et al. (Genet Med. 2020). Collection method: curation. Allele origin: germline.
Comment: Missense variant in a coldspot region where missense variants are very unlikely to be pathogenic (PMID:31911673).

BRCA2 exon 11 coldspot. Reclassification based on statistical prior probability.

Literature cited by the submitters: PubMed 30702160 (cited by Labcorp Genetics (formerly Invitae), Labcorp); PubMed 31825140 (cited by Labcorp Genetics (formerly Invitae), Labcorp).

NM_000059.4(BRCA2):c.5294A>G (p.Lys1765Arg)

Gene: BRCA2 (BRCA2 DNA repair associated; plus strand). Cytogenetic location: 13q13.1.
Variant type: single nucleotide variant.
Coding change: c.5294A>G on transcript NM_000059.4 (MANE Select); coding-DNA position 5294, A replaced by G.
Protein change: p.Lys1765Arg; replaces lysine 1765 with arginine.
Molecular consequence: missense variant.
Genome position (GRCh38, 1-based): chr13:32,339,649, A>G. VCF-style: chr13-32339649-A-G. GRCh37 (hg19) VCF-style: chr13-32913786-A-G.
Other names: short protein forms K1765R.
Identifiers: ClinVar variation 640065 (VCV000640065.10), dbSNP rs1593905069, ClinGen allele CA387784796.
Genomic context (GRCh38, chr13:32,339,649, plus strand): 5'-TGTCTAACAGCTATTCCTACCATTCTGATGAGGTATATAATGATTCAGGATATCTCTCAA[A>G]AAATAAACTTGATTCTGGTATTGAGCCAGTATTGAAGAATGTTGAAGATCAAAAAAACAC-3'
Protein context (NP_000050.3, residues 1755-1775): EVYNDSGYLS[Lys1765Arg]NKLDSGIEPV